The following is an entry in ClinVar:

ClinVar aggregate classification (germline): Uncertain significance (1 of 4 stars; one submission).

Submission:

ISCA site 4
Classification: Uncertain significance. Last evaluated: 2011-08-12. Review status: criteria provided, single submitter. Criteria: Kaminsky et al. (Genet Med. 2011). Collection method: clinical testing. Allele origin: de novo. Affected: yes. Observed: 1 variant allele.
Comment: Copy number variation identified through the course of routine clinical cytogenomic testing in postnatal populations. Clinical assertions have been curated as described in Kaminsky et al. 2011.

GRCh38/hg38 2q32.3(chr2:195270237-195722242)x1

Genes: LINC01825 (long intergenic non-protein coding RNA 1825; plus strand), LINC01827 (long intergenic non-protein coding RNA 1827; minus strand), SLC39A10 (solute carrier family 39 member 10; plus strand), LOC112806069 (P300/CBP strongly-dependent group 1 enhancer GRCh37_chr2:196559503-196560702; plus strand), LOC129935296 (ATAC-STARR-seq lymphoblastoid active region 16887; plus strand) and 5 more. Cytogenetic location: 2q32.3.
Variant type: copy number loss.
Change: copy number 1 (one copy instead of two) of chr2:195,270,237-195,722,242 (452.0 kb, GRCh38 coordinates, 1-based), cytogenetic band 2q32.3.
Identifiers: ClinVar variation 57163 (VCV000057163.1).